The following is an entry in ClinVar:

ClinVar aggregate classification (germline): Pathogenic. Review status: criteria provided, multiple submitters, no conflicts (2 of 4 stars). 4 submissions from 4 submitters: Pathogenic (4). Last evaluated 2024-11-26.

Conditions:
Inborn genetic diseases. Identifiers: MedGen C0950123, MeSH D030342.
Spongy degeneration of central nervous system. Also called: Von Bogaert-Bertrand disease; ACY2 DEFICIENCY; AMINOACYLASE 2 DEFICIENCY; ASP DEFICIENCY; ASPA DEFICIENCY; ASPARTOACYLASE DEFICIENCY. Identifiers: Orphanet 141, MedGen C0206307, MONDO:0010079, OMIM 271900.

Allele frequency attached by ClinVar (database versions not stated): TOPMed below 0.00001.

Submissions (4):

Natera, Inc.
Classification: Pathogenic for Canavan Disease. Last evaluated: 2024-11-26. Review status: criteria provided, single submitter. Criteria: Natera Variant Classification Schema (03/2026). Collection method: clinical testing. Allele origin: germline.
Comment: The c.550C>T variant in ASPA is a nonsense variant predicted to introduce a stop codon at amino acid 184. This variant is expected to result in nonsense mediated decay, truncation, or a dysfunctional protein product. This variant is rare in the general population with a frequency below the threshold expected for the associated phenotype(s). This variant has been observed in one or more individuals affected with the associated recessive disease, as either homozygous or compound heterozygous with a second variant (PMID: 12638939). Given the available evidence, this variant is classified as Pathogenic.

Baylor Genetics
Classification: Pathogenic for Spongy degeneration of central nervous system. Last evaluated: 2023-03-23. Review status: criteria provided, single submitter. Criteria: ACMG Guidelines, 2015. Collection method: clinical testing. Allele origin: unknown.

Labcorp Genetics (formerly Invitae), Labcorp
Classification: Pathogenic for Spongy degeneration of central nervous system. Last evaluated: 2023-02-14. Review status: criteria provided, single submitter. Criteria: Invitae Variant Classification Sherloc (09022015). Collection method: clinical testing. Allele origin: germline.
Comment: This sequence change creates a premature translational stop signal (p.Gln184*) in the ASPA gene. It is expected to result in an absent or disrupted protein product. Loss-of-function variants in ASPA are known to be pathogenic (PMID: 12638939). This variant is not present in population databases (gnomAD no frequency). This premature translational stop signal has been observed in individual(s) with Canavan disease (PMID: 12638939). ClinVar contains an entry for this variant (Variation ID: 662022). For these reasons, this variant has been classified as Pathogenic.

Ambry Genetics
Classification: Pathogenic for Inborn genetic diseases. Last evaluated: 2017-04-13. Review status: criteria provided, single submitter. Criteria: Ambry Variant Classification Scheme 2023. Collection method: clinical testing. Allele origin: germline.
Comment: The p.Q184* pathogenic mutation (also known as c.550C>T), located in coding exon 4 of the ASPA gene, results from a C to T substitution at nucleotide position 550. This changes the amino acid from a glutamine to a stop codon within coding exon 4. This mutation was detected in conjunction with a second ASPA alteration in an individual with Canavan disease (Zeng BJ et al. J. Inherit. Metab. Dis., 2002 Nov;25:557-70). In addition to the clinical data presented in the literature, this alteration is expected to result in loss of function by premature protein truncation or nonsense-mediated mRNA decay. As such, this alteration is interpreted as a disease-causing mutation.

Literature cited by the submitters: PubMed 12638939 (cited by 3 submitters).

NM_000049.4(ASPA):c.550C>T (p.Gln184Ter)

Genes: ASPA (aspartoacylase; plus strand), SPATA22 (spermatogenesis associated 22; minus strand). Cytogenetic location: 17p13.2.
Variant type: single nucleotide variant.
Coding change: c.550C>T on transcript NM_000049.4 (MANE Select); coding-DNA position 550, C replaced by T.
Protein change: p.Gln184Ter; replaces glutamine 184 with a stop codon.
Molecular consequence: nonsense. On other transcripts: intron variant (2).
Genome position (GRCh38, 1-based): chr17:3,489,258, C>T. VCF-style: chr17-3489258-C-T. GRCh37 (hg19) VCF-style: chr17-3392552-C-T.
Other names: c.550C>T, p.Gln184Ter (NM_001128085.1); c.-73-19860G>A (NM_001321336.2, NM_001321337.2); short protein forms Q184*.
Identifiers: ClinVar variation 662022 (VCV000662022.23), dbSNP rs1597439028, ClinGen allele CA397684483.